The following is an entry in ClinVar:

ClinVar aggregate classification (germline): Uncertain significance (1 of 4 stars; one submission).

Conditions:
Hereditary cancer-predisposing syndrome. Also called: Neoplastic Syndromes, Hereditary; Tumor predisposition; Hereditary Cancer Syndrome; Hereditary neoplastic syndrome. Identifiers: Orphanet 140162, MedGen C0027672, MeSH D009386, MONDO:0015356.

gnomAD v4.1: 1 of 1,614,160 alleles (0.000062%); highest among the groups gnomAD compares: Non-Finnish European, 0.000085%; no homozygotes.

Submission:

Ambry Genetics
Classification: Uncertain significance for Hereditary cancer-predisposing syndrome. Last evaluated: 2025-04-24. Review status: criteria provided, single submitter. Criteria: Ambry Variant Classification Scheme 2023. Collection method: clinical testing. Allele origin: germline.
Comment: The p.C727R variant (also known as c.2179T>C), located in coding exon 20 of the POLE gene, results from a T to C substitution at nucleotide position 2179. The cysteine at codon 727 is replaced by arginine, an amino acid with highly dissimilar properties. This amino acid position is conserved. In addition, the in silico prediction for this alteration is inconclusive. Based on the available evidence, the clinical significance of this variant remains unclear.

NM_006231.4(POLE):c.2179T>C (p.Cys727Arg)

Gene: POLE (DNA polymerase epsilon, catalytic subunit; minus strand). Cytogenetic location: 12q24.33.
Variant type: single nucleotide variant.
Coding change: c.2179T>C on transcript NM_006231.4 (MANE Select); coding-DNA position 2179, T replaced by C.
Protein change: p.Cys727Arg; replaces cysteine 727 with arginine.
Molecular consequence: missense variant.
Genome position (GRCh38, 1-based): chr12:132,667,643, A>G on the plus strand (T>C on the coding strand, the complement: POLE is on the minus strand). VCF-style: chr12-132667643-A-G. GRCh37 (hg19) VCF-style: chr12-133244229-A-G.
Other names: short protein forms C727R.
Identifiers: ClinVar variation 1787228 (VCV001787228.3), dbSNP rs1060500832, ClinGen allele CA387353330.
Genomic context (GRCh38, chr12:132,667,643, plus strand): 5'-AGATGGTGGTGAGACGCTCTTCCACCTTGGTGATGTGGATCTTCTTGTAGGCTTTCCGGC[A>G]GTAATCTAAGCACGACGGAGATGGGCAGAGCAGGTGGGTGAGATCTCCCAGAGCAGAGGG-3'
Protein context (NP_006222.2, residues 717-737): KYEKRRLADY[Cys727Arg]RKAYKKIHIT